The following is an entry in ClinVar:

NM_000138.5(FBN1):c.6379+1G>A

Gene: FBN1 (fibrillin 1; minus strand). Cytogenetic location: 15q21.1.
Variant type: single nucleotide variant.
Coding change: c.6379+1G>A on transcript NM_000138.5 (MANE Select); the canonical splice donor site of the intron after coding-DNA position 6379, G replaced by A.
Molecular consequence: splice donor variant.
Genome position (GRCh38, 1-based): chr15:48,437,321, C>T on the plus strand (G>A on the coding strand, the complement: FBN1 is on the minus strand). VCF-style: chr15-48437321-C-T. GRCh37 (hg19) VCF-style: chr15-48729518-C-T.
Other names: c.6379+1G>A (NM_001406716.1).
Identifiers: ClinVar variation 42400 (VCV000042400.10), dbSNP rs397515833, ClinGen allele CA016380.

ClinVar aggregate classification (germline): Pathogenic/Likely pathogenic. Review status: criteria provided, multiple submitters, no conflicts (2 of 4 stars). 3 submissions from 3 submitters: Pathogenic (1); Likely pathogenic (2). Last evaluated 2021-11-04.

Conditions:
Marfan syndrome (MFS). Also called: FBN1-Related Marfan Syndrome; Marfan syndrome, classic; MARFAN SYNDROME, TYPE I; Marfan syndrome type 1; Marfan's syndrome. Identifiers: Orphanet 284963, Orphanet 558, MedGen C0024796, MONDO:0007947, OMIM 154700.
Familial thoracic aortic aneurysm and aortic dissection (TAAD). Also called: Thoracic aortic aneurysms and dissections. Identifiers: Orphanet 91387, MedGen C4707243, MONDO:0019625.

Submissions (3):

Labcorp Genetics (formerly Invitae), Labcorp
Classification: Likely pathogenic for Marfan syndrome; Familial thoracic aortic aneurysm and aortic dissection. Last evaluated: 2021-11-04. Review status: criteria provided, single submitter. Criteria: Invitae Variant Classification Sherloc (09022015). Collection method: clinical testing. Allele origin: germline.
Comment: ClinVar contains an entry for this variant (Variation ID: 42400). Algorithms developed to predict the effect of sequence changes on RNA splicing suggest that this variant may disrupt the consensus splice site. In summary, the currently available evidence indicates that the variant is pathogenic, but additional data are needed to prove that conclusively. Therefore, this variant has been classified as Likely Pathogenic. Disruption of this splice site has been observed in individual(s) with Marfan syndrome (PMID: 18435798). This sequence change affects a donor splice site in intron 52 of the FBN1 gene. It is expected to disrupt RNA splicing. Variants that disrupt the donor or acceptor splice site typically lead to a loss of protein function (PMID: 16199547), and loss-of-function variants in FBN1 are known to be pathogenic (PMID: 17657824, 19293843). This variant is not present in population databases (gnomAD no frequency).

Molecular Diagnostics Laboratory, M Health Fairview: University of Minnesota
Classification: Pathogenic for Marfan syndrome. Last evaluated: 2018-05-03. Review status: criteria provided, single submitter. Criteria: ACMG Guidelines, 2015. Collection method: clinical testing. Allele origin: germline. Affected: yes. Observed: 1 variant allele.

Laboratory for Molecular Medicine, Mass General Brigham Personalized Medicine
Classification: Likely pathogenic for Marfan syndrome. Last evaluated: 2011-04-22. Review status: criteria provided, single submitter. Criteria: LMM Criteria. Collection method: clinical testing. Allele origin: germline. Observed: 1 variant allele.
Comment: This variant 6379+1G>A has not been reported in the literature. However, it is p redicted to cause abnormal splicing because the nucleotide substitution occurs i n a highly conserved splice consensus sequence. A different nucleotide change at the same position (6379+1G>T) has been previously reported in 1 individual with a clinical diagnosis of Marfan syndrome, supporting a pathogenic role for 6379+ 1G>A variant (Attanasio 2008). As such, this variant is likely to be pathogenic.

Literature cited by the submitters: PubMed 18435798 (cited by 3 submitters); PubMed 16199547 (cited by Labcorp Genetics (formerly Invitae), Labcorp); PubMed 17657824 (cited by Labcorp Genetics (formerly Invitae), Labcorp); PubMed 19293843 (cited by Labcorp Genetics (formerly Invitae), Labcorp).